The following is an entry in ClinVar:

ClinVar aggregate classification (germline): Uncertain significance (1 of 4 stars; one submission).

Submission:

Ambry Genetics
Classification: Uncertain significance. Last evaluated: 2025-06-21. Review status: criteria provided, single submitter. Criteria: Ambry Variant Classification Scheme 2023. Collection method: clinical testing. Allele origin: germline.
Comment: The p.P727H variant (also known as c.2180C>A), located in coding exon 9 of the WNK2 gene, results from a C to A substitution at nucleotide position 2180. The proline at codon 727 is replaced by histidine, an amino acid with similar properties. This amino acid position is conserved. In addition, this alteration is predicted to be tolerated by in silico analysis. Based on the available evidence, the clinical significance of this variant remains unclear.

NM_006648.4(WNK2):c.2180C>A (p.Pro727His)

Gene: WNK2 (WNK lysine deficient protein kinase 2; plus strand). Cytogenetic location: 9q22.31.
Variant type: single nucleotide variant.
Coding change: c.2180C>A on transcript NM_006648.4 (MANE Select); coding-DNA position 2180, C replaced by A.
Protein change: p.Pro727His; replaces proline 727 with histidine.
Molecular consequence: missense variant.
Genome position (GRCh38, 1-based): chr9:93,256,444, C>A. VCF-style: chr9-93256444-C-A. GRCh37 (hg19) VCF-style: chr9-96018726-C-A.
Other names: c.2180C>A, p.Pro727His (NM_001282394.3); short protein forms P727H.
Identifiers: ClinVar variation 4201538 (VCV004201538.1).